The following is an entry in ClinVar:

ClinVar aggregate classification (germline): Uncertain significance (1 of 4 stars; one submission).

Submission:

Labcorp Genetics (formerly Invitae), Labcorp
Classification: Uncertain significance. Last evaluated: 2022-05-27. Review status: criteria provided, single submitter. Criteria: Invitae Variant Classification Sherloc (09022015). Collection method: clinical testing. Allele origin: germline.
Comment: This variant is a gross deletion of the genomic region encompassing exon(s) 1 of the KCNQ5 gene, which includes the initiator codon. This deletion extends beyond the assayed region for this gene and therefore may encompass additional genes. It is expected to result in an absent or disrupted protein product. However, the current clinical and genetic evidence is not sufficient to establish whether loss-of-function variants in KCNQ5 cause disease. In summary, the available evidence is currently insufficient to determine the role of this variant in disease. Therefore, it has been classified as a Variant of Uncertain Significance. This variant has not been reported in the literature in individuals affected with KCNQ5-related conditions.

NC_000006.11:g.(?_72889258)_(73332335_?)del

Genes: KCNQ5 (potassium voltage-gated channel subfamily Q member 5; plus strand), RIMS1 (regulating synaptic membrane exocytosis 1; plus strand). Cytogenetic location: 6q13.
Variant type: Deletion.
Identifiers: ClinVar variation 2423891 (VCV002423891.4).